The following is an entry in ClinVar:

ClinVar aggregate classification (germline): Uncertain significance (1 of 4 stars; one submission).

Submission:

Labcorp Genetics (formerly Invitae), Labcorp
Classification: Uncertain significance. Last evaluated: 2022-01-01. Review status: criteria provided, single submitter. Criteria: Invitae Variant Classification Sherloc (09022015). Collection method: clinical testing. Allele origin: germline.
Comment: In summary, the available evidence is currently insufficient to determine the role of this variant in disease. Therefore, it has been classified as a Variant of Uncertain Significance. Variants that disrupt the consensus splice site are a relatively common cause of aberrant splicing (PMID: 17576681, 9536098). Algorithms developed to predict the effect of sequence changes on RNA splicing suggest that this variant is not likely to affect RNA splicing. This variant has not been reported in the literature in individuals affected with KIF20A-related conditions. This variant is not present in population databases (gnomAD no frequency). This sequence change falls in intron 16 of the KIF20A gene. It does not directly change the encoded amino acid sequence of the KIF20A protein. It affects a nucleotide within the consensus splice site.

Literature cited by the submitters: PubMed 17576681; PubMed 9536098.

NM_005733.3(KIF20A):c.2126-3C>T

Gene: KIF20A (kinesin family member 20A; plus strand). Cytogenetic location: 5q31.2.
Variant type: single nucleotide variant.
Coding change: c.2126-3C>T on transcript NM_005733.3 (MANE Select); 3 bases into the intron before coding-DNA position 2126, C replaced by T.
Molecular consequence: intron variant.
Genome position (GRCh38, 1-based): chr5:138,185,958, C>T. VCF-style: chr5-138185958-C-T. GRCh37 (hg19) VCF-style: chr5-137521647-C-T.
Identifiers: ClinVar variation 2184686 (VCV002184686.4), dbSNP rs2482190317, ClinGen allele CA2580072863.